The following is an entry in ClinVar:

ClinVar aggregate classification (germline): Uncertain significance. Review status: criteria provided, multiple submitters, no conflicts (2 of 4 stars). 2 submissions from 2 submitters: Uncertain significance (2). Last evaluated 2025-05-11.

Conditions:
Niemann-Pick disease, type C1. Also called: NIEMANN-PICK DISEASE, VARIANT TYPE C1; NEUROVISCERAL STORAGE DISEASE WITH VERTICAL SUPRANUCLEAR OPHTHALMOPLEGIA; NIEMANN-PICK DISEASE WITH CHOLESTEROL ESTERIFICATION BLOCK; NIEMANN-PICK DISEASE WITHOUT SPHINGOMYELINASE DEFICIENCY; NIEMANN-PICK DISEASE, CHRONIC NEURONOPATHIC FORM. Identifiers: Orphanet 646, MedGen C3179455, MONDO:0009757, OMIM 257220.
NPC1-related disorder. Also called: NPC1-related condition.

Allele frequency attached by ClinVar (database versions not stated): TOPMed 0.00002; ExAC 0.00003.
gnomAD v4.1: 10 of 1,610,568 alleles (0.00062%); highest among the groups gnomAD compares: Admixed American, 0.015%; no homozygotes.

Submissions (2):

PreventionGenetics, part of Exact Sciences
Classification: Uncertain significance for NPC1-related condition. Last evaluated: 2025-05-11. Review status: criteria provided, single submitter. Criteria: ACMG Guidelines, 2015. Collection method: clinical testing. Allele origin: germline.
Comment: The NPC1 c.2527G>T variant is predicted to result in the amino acid substitution p.Val843Leu. To our knowledge, this variant has not been reported in the literature. This variant is reported in 0.026% of alleles in individuals of Latino descent in gnomAD. At this time, the clinical significance of this variant is uncertain due to the absence of conclusive functional and genetic evidence.

Labcorp Genetics (formerly Invitae), Labcorp
Classification: Uncertain significance for Niemann-Pick disease, type C1. Last evaluated: 2022-08-15. Review status: criteria provided, single submitter. Criteria: Invitae Variant Classification Sherloc (09022015). Collection method: clinical testing. Allele origin: germline.
Comment: This sequence change replaces valine, which is neutral and non-polar, with leucine, which is neutral and non-polar, at codon 843 of the NPC1 protein (p.Val843Leu). This variant is present in population databases (rs758854079, gnomAD 0.03%). This variant has not been reported in the literature in individuals affected with NPC1-related conditions. Advanced modeling of protein sequence and biophysical properties (such as structural, functional, and spatial information, amino acid conservation, physicochemical variation, residue mobility, and thermodynamic stability) performed at Invitae indicates that this missense variant is not expected to disrupt NPC1 protein function. In summary, the available evidence is currently insufficient to determine the role of this variant in disease. Therefore, it has been classified as a Variant of Uncertain Significance.

NM_000271.5(NPC1):c.2527G>T (p.Val843Leu)

Gene: NPC1 (NPC intracellular cholesterol transporter 1; minus strand). Cytogenetic location: 18q11.2.
Variant type: single nucleotide variant.
Coding change: c.2527G>T on transcript NM_000271.5 (MANE Select); coding-DNA position 2527, G replaced by T.
Protein change: p.Val843Leu; replaces valine 843 with leucine.
Molecular consequence: missense variant.
Genome position (GRCh38, 1-based): chr18:23,540,525, C>A on the plus strand (G>T on the coding strand, the complement: NPC1 is on the minus strand). VCF-style: chr18-23540525-C-A. GRCh37 (hg19) VCF-style: chr18-21120489-C-A.
Other names: c.2527G>T (NM_000271.4); short protein forms V843L.
Identifiers: ClinVar variation 2082936 (VCV002082936.3), dbSNP rs758854079, ClinGen allele CA8913059.